The following is an entry in ClinVar:

ClinVar aggregate classification (germline): Conflicting classifications of pathogenicity. Review status: criteria provided, conflicting classifications (1 of 4 stars). 2 submissions from 2 submitters: Uncertain significance (1); Likely benign (1). Last evaluated 2016-12-07.

Conditions:
Maturity-onset diabetes of the young (MODY). Also called: Maturity onset diabetes mellitus in young. Identifiers: Orphanet 552, MedGen C0342276, MONDO:0018911, HP:0004904.

Submissions (2):

Eurofins Ntd Llc (ga)
Classification: Uncertain significance. Last evaluated: 2016-12-07. Review status: criteria provided, single submitter. Criteria: EGL Classification Definitions 2015. Collection method: clinical testing. Allele origin: germline. Observed: 1 variant allele, 1 heterozygote.

Clinical Genomics, Uppaluri K&H Personalized Medicine Clinic
Classification: Likely benign for Maturity-onset diabetes of the young. Review status: criteria provided, single submitter. Criteria: K & H Uppaluri Personalized Medicine Clinic Variant Classification & Assertion Criteria_Updated V.1. Collection method: research. Allele origin: unknown. Inheritance: Autosomal dominant inheritance.
Comment: HNF1B gene mutations are associated with early onset diabetes and pancreatic atrophy. It is also associated with multiple renal manifestations including renal cysts, Tubulointerstitial disease, glomerulocystic disease, renal hypoplasia, hypomagnesemia. However no sufficient evidence is found to ascertain the role of this particular variant rs1555821665, yet.

Literature cited by the submitters: PubMed 24897035 (cited by Clinical Genomics, Uppaluri K&H Personalized Medicine Clinic); PubMed 25536396 (cited by Clinical Genomics, Uppaluri K&H Personalized Medicine Clinic); PubMed 27615128 (cited by Clinical Genomics, Uppaluri K&H Personalized Medicine Clinic); PubMed 28215227 (cited by Clinical Genomics, Uppaluri K&H Personalized Medicine Clinic); PubMed 33434175 (cited by Clinical Genomics, Uppaluri K&H Personalized Medicine Clinic); PubMed 25741167 (cited by Clinical Genomics, Uppaluri K&H Personalized Medicine Clinic); PubMed 26340261 (cited by Clinical Genomics, Uppaluri K&H Personalized Medicine Clinic); PubMed 19639018 (cited by Clinical Genomics, Uppaluri K&H Personalized Medicine Clinic).

NM_000458.4(HNF1B):c.1396C>G (p.Leu466Val)

Gene: HNF1B (HNF1 homeobox B; minus strand). Cytogenetic location: 17q12.
Variant type: single nucleotide variant.
Coding change: c.1396C>G on transcript NM_000458.4 (MANE Select); coding-DNA position 1396, C replaced by G.
Protein change: p.Leu466Val; replaces leucine 466 with valine.
Molecular consequence: missense variant. On other transcripts: intron variant (1).
Genome position (GRCh38, 1-based): chr17:37,701,121, G>C on the plus strand (C>G on the coding strand, the complement: HNF1B is on the minus strand). VCF-style: chr17-37701121-G-C. GRCh37 (hg19) VCF-style: chr17-36061126-G-C.
Other names: c.1318C>G, p.Leu440Val (NM_001165923.4); c.1261+3796C>G (NM_001304286.2); short protein forms L466V, L440V.
Identifiers: ClinVar variation 499125 (VCV000499125.6), dbSNP rs1555821665, ClinGen allele CA398755774.